The following is an entry in ClinVar:

ClinVar aggregate classification (germline): Uncertain significance (1 of 4 stars; one submission).

Conditions:
Inborn genetic diseases. Identifiers: MedGen C0950123, MeSH D030342.

Submission:

Ambry Genetics
Classification: Uncertain significance for Inborn genetic diseases. Last evaluated: 2025-01-18. Review status: criteria provided, single submitter. Criteria: Ambry Variant Classification Scheme 2023. Collection method: clinical testing. Allele origin: germline.
Comment: The p.T270A variant (also known as c.808A>G), located in coding exon 7 of the ANKRD26 gene, results from an A to G substitution at nucleotide position 808. The threonine at codon 270 is replaced by alanine, an amino acid with similar properties. This amino acid position is conserved. In addition, this alteration is predicted to be tolerated by in silico analysis. Based on the available evidence, the clinical significance of this variant remains unclear.

NM_014915.3(ANKRD26):c.808A>G (p.Thr270Ala)

Gene: ANKRD26 (ankyrin repeat domain containing 26; minus strand). Cytogenetic location: 10p12.1.
Variant type: single nucleotide variant.
Coding change: c.808A>G on transcript NM_014915.3 (MANE Select); coding-DNA position 808, A replaced by G.
Protein change: p.Thr270Ala; replaces threonine 270 with alanine.
Molecular consequence: missense variant.
Genome position (GRCh38, 1-based): chr10:27,079,094, T>C on the plus strand (A>G on the coding strand, the complement: ANKRD26 is on the minus strand). VCF-style: chr10-27079094-T-C. GRCh37 (hg19) VCF-style: chr10-27368023-T-C.
Other names: c.808A>G, p.Thr270Ala (NM_001256053.2); short protein forms T270A.
Identifiers: ClinVar variation 3870540 (VCV003870540.1).